The following is an entry in ClinVar:

ClinVar aggregate classification (germline): Likely benign (1 of 4 stars; one submission).

Submission:

CeGaT Center for Human Genetics Tuebingen
Classification: Likely benign. Last evaluated: 2023-01-01. Review status: criteria provided, single submitter. Criteria: CeGaT Center For Human Genetics Tuebingen Variant Classification Criteria Version 2. Collection method: clinical testing. Allele origin: germline. Affected: yes. Observed: 1 variant allele.
Comment: GLA: PM2:Supporting, BP4, BP7

NM_000169.3(GLA):c.195-1236T>C

Genes: GLA (galactosidase alpha; minus strand), RPL36A-HNRNPH2 (RPL36A-HNRNPH2 readthrough; plus strand). Cytogenetic location: Xq22.1.
Variant type: single nucleotide variant.
Coding change: c.195-1236T>C on transcript NM_000169.3 (MANE Select); 1236 bases into the intron before coding-DNA position 195, T replaced by C.
Molecular consequence: intron variant. On other transcripts: synonymous variant (2).
Genome position (GRCh38, 1-based): chrX:101,405,221, A>G on the plus strand (T>C on the coding strand, the complement: GLA is on the minus strand). VCF-style: chrX-101405221-A-G. GRCh37 (hg19) VCF-style: chrX-100660209-A-G.
Other names: c.207T>C, p.Ala69= (NM_001406747.1, NM_001406749.1); c.301-6715A>G (NM_001199973.2); c.178-6715A>G (NM_001199974.2); c.195-1236T>C (NM_001406748.1).
Identifiers: ClinVar variation 2661059 (VCV002661059.24), dbSNP rs2520923509, ClinGen allele CA2695197144.